The following is an entry in ClinVar:

NM_001267550.2(TTN):c.3642T>A (p.Tyr1214Ter)

Gene: TTN (titin; minus strand). Cytogenetic location: 2q31.2.
Variant type: single nucleotide variant.
Coding change: c.3642T>A on transcript NM_001267550.2 (MANE Select); coding-DNA position 3642, T replaced by A.
Protein change: p.Tyr1214Ter; replaces tyrosine 1214 with a stop codon.
Molecular consequence: nonsense.
Genome position (GRCh38, 1-based): chr2:178,780,087, A>T on the plus strand (T>A on the coding strand, the complement: TTN is on the minus strand). VCF-style: chr2-178780087-A-T. GRCh37 (hg19) VCF-style: chr2-179644814-A-T.
Other names: c.3642T>A, p.Tyr1214Ter (NM_001256850.1, NM_133378.4, NM_133379.5); c.3504T>A, p.Tyr1168Ter (NM_003319.4, NM_133432.3, NM_133437.4); short protein forms Y1168*, Y1214*.
Identifiers: ClinVar variation 3776375 (VCV003776375.2).
Genomic context (GRCh38, chr2:178,780,087, plus strand): 5'-TACAGTATCTTTGGCCATTTTCTTCCTAATTAAGGCTTGTTCTTTTTCATACTCTTTTTC[A>T]TACTCAGAGTATACAAATCCAGGTGCTGTTTCTCCAACTTTAGGTTCTTGAACAAATGCA-3'

ClinVar aggregate classification (germline): Conflicting classifications of pathogenicity. Review status: criteria provided, conflicting classifications (1 of 4 stars). 2 submissions from 2 submitters: Likely pathogenic (1); Uncertain significance (1). Last evaluated 2025-03-10.

Conditions:
Dilated cardiomyopathy 1G (CMD1G). Identifiers: Orphanet 154, MedGen C1858763, MONDO:0011400, OMIM 604145.
Autosomal recessive limb-girdle muscular dystrophy type 2J (LGMDR10). Also called: Limb-girdle muscular dystrophy, type 2J; MUSCULAR DYSTROPHY, LIMB-GIRDLE, AUTOSOMAL RECESSIVE 10. Identifiers: Orphanet 140922, MedGen C1837342, MONDO:0012127, OMIM 608807.

Submissions (2):

Labcorp Genetics (formerly Invitae), Labcorp
Classification: Likely pathogenic for Dilated cardiomyopathy 1G; Autosomal recessive limb-girdle muscular dystrophy type 2J. Last evaluated: 2025-03-10. Review status: criteria provided, single submitter. Criteria: Invitae Variant Classification Sherloc (09022015). Collection method: clinical testing. Allele origin: germline.
Comment: This sequence change creates a premature translational stop signal (p.Tyr1214*) in the TTN gene. While this is not anticipated to result in nonsense mediated decay, it is expected to create a truncated TTN protein. This variant is not present in population databases (gnomAD no frequency). This variant has not been reported in the literature in individuals affected with TTN-related conditions. This variant is located in the Z band of TTN (PMID: 25589632). Truncating variants in this region have been reported in individuals affected with autosomal recessive centronuclear myopathy (PMID: 33449170, internal data). Truncating variants in this region have also been identified in individuals affected with autosomal dominant dilated cardiomyopathy and/or cardio-related conditions (PMID: 27869827, 32964742, internal data). In summary, the currently available evidence indicates that the variant is pathogenic, but additional data are needed to prove that conclusively. Therefore, this variant has been classified as Likely Pathogenic.

GeneDx
Classification: Uncertain significance. Last evaluated: 2024-10-02. Review status: criteria provided, single submitter. Criteria: GeneDx Variant Classification Process June 2021. Collection method: clinical testing. Allele origin: germline. Affected: yes.
Comment: Has not been previously published as pathogenic or benign to our knowledge; Not observed at significant frequency in large population cohorts (gnomAD); Nonsense variant predicted to result in protein truncation or nonsense mediated decay in a gene or region of a gene for which loss of function is not a well-established mechanism of disease

Literature cited by the submitters: PubMed 25589632 (cited by Labcorp Genetics (formerly Invitae), Labcorp); PubMed 33449170 (cited by Labcorp Genetics (formerly Invitae), Labcorp); PubMed 27869827 (cited by Labcorp Genetics (formerly Invitae), Labcorp); PubMed 32964742 (cited by Labcorp Genetics (formerly Invitae), Labcorp).